The following is an entry in ClinVar:

ClinVar aggregate classification (germline): Benign. Review status: criteria provided, multiple submitters, no conflicts (2 of 4 stars). 2 submissions from 2 submitters: Benign (2). Last evaluated 2018-01-12.

Conditions:
Neonatal diabetes mellitus with congenital hypothyroidism. Also called: NDH SYNDROME. Identifiers: Orphanet 79118, MedGen C1857775, MONDO:0012436, OMIM 610199.

Allele frequency attached by ClinVar (database versions not stated): 1000 Genomes Project 30x 0.95097; TOPMed 0.95225; 1000 Genomes Project 0.95308; gnomAD 0.95364 and 0.95672; gnomAD exomes 1.00000.
gnomAD v4.1: 145,836 of 152,356 alleles (96%); highest among the groups gnomAD compares: Middle Eastern, 100%; 70,172 homozygotes.

Submissions (2):

Illumina Laboratory Services, Illumina
Classification: Benign for Neonatal diabetes mellitus with congenital hypothyroidism. Last evaluated: 2018-01-12. Review status: criteria provided, single submitter. Criteria: ICSL Variant Classification Criteria 13 December 2019. Collection method: clinical testing. Allele origin: germline.
Comment: This variant was observed in the ICSL laboratory as part of a predisposition screen in an ostensibly healthy population. It had not been previously curated by ICSL or reported in the Human Gene Mutation Database (HGMD: prior to June 1st, 2018), and was therefore a candidate for classification through an automated scoring system. Utilizing variant allele frequency, disease prevalence and penetrance estimates, and inheritance mode, an automated score was calculated to assess if this variant is too frequent to cause the disease. Based on the score and internal cut-off values, a variant classified as benign is not then subjected to further curation. The score for this variant resulted in a classification of benign for this disease.

Breakthrough Genomics
Classification: Benign. Review status: criteria provided, single submitter. Criteria: ACMG Guidelines, 2015. Collection method: not provided. Allele origin: germline. Inheritance: Autosomal recessive inheritance. Affected: yes.

NM_001042413.2(GLIS3):c.*2460C>T

Gene: GLIS3 (GLIS family zinc finger 3; minus strand). Cytogenetic location: 9p24.2.
Variant type: single nucleotide variant.
Coding change: c.*2460C>T on transcript NM_001042413.2 (MANE Select); 2460 bases downstream of the stop codon, C replaced by T.
Molecular consequence: 3 prime UTR variant.
Genome position (GRCh38, 1-based): chr9:3,825,812, G>A on the plus strand (C>T on the coding strand, the complement: GLIS3 is on the minus strand). VCF-style: chr9-3825812-G-A. GRCh37 (hg19) VCF-style: chr9-3825812-G-A.
Other names: c.*2460C>T (NM_152629.4).
Identifiers: ClinVar variation 366916 (VCV000366916.6), dbSNP rs1053277, ClinGen allele CA10627349.
Genomic context (GRCh38, chr9:3,825,812, plus strand): 5'-CGTGTCCTATCCTGAGGCTGCAATCTCAAGCCTGCAGCTATCAGGAAAGACCCACGGTGC[G>A]GGAAGCAGGGCTGCACTGGGTCCTGTGGCCAGCATGCTCTCTCTGAGATAAAATGTCCCT-3'